The following is an entry in ClinVar:

ClinVar aggregate classification (germline): Pathogenic (1 of 4 stars; one submission).

Submission:

Labcorp Genetics (formerly Invitae), Labcorp
Classification: Pathogenic. Last evaluated: 2025-07-27. Review status: criteria provided, single submitter. Criteria: Invitae Variant Classification Sherloc (09022015). Collection method: clinical testing. Allele origin: germline.
Comment: This sequence change creates a premature translational stop signal (p.Gly88Glufs*2) in the IMPG2 gene. It is expected to result in an absent or disrupted protein product. Loss-of-function variants in IMPG2 are known to be pathogenic (PMID: 20673862). This variant is not present in population databases (gnomAD no frequency). This variant has not been reported in the literature in individuals affected with IMPG2-related conditions. ClinVar contains an entry for this variant (Variation ID: 1950590). Algorithms developed to predict the effect of sequence changes on RNA splicing suggest that this variant may disrupt the consensus splice site. For these reasons, this variant has been classified as Pathogenic.

Literature cited by the submitters: PubMed 20673862.

NM_016247.4(IMPG2):c.263del (p.Gly88fs)

Gene: IMPG2 (interphotoreceptor matrix proteoglycan 2; minus strand). Cytogenetic location: 3q12.3.
Variant type: Deletion.
Coding change: c.263del on transcript NM_016247.4 (MANE Select); coding-DNA position 263, one base deleted (G; older notation c.263delG).
Protein change: p.Gly88fs; shifts the reading frame from glycine 88.
Molecular consequence: frameshift variant.
Genome position (GRCh38, 1-based): chr3:101,319,655, C deleted on the plus strand (G on the coding strand, the reverse complement: IMPG2 is on the minus strand); the first of 2 consecutive C bases (chr3:101,319,655-101,319,656); deleting either gives the same sequence. VCF-style (leftmost placement, unchanged base first): chr3-101319654-TC-T. GRCh37 (hg19) VCF-style: chr3-101038498-TC-T.
Other names: short protein forms G88fs.
Identifiers: ClinVar variation 1950590 (VCV001950590.5), dbSNP rs2107148743, ClinGen allele CA2580068550.